The following is an entry in ClinVar:

ClinVar aggregate classification (germline): Uncertain significance (1 of 4 stars; one submission).

Conditions:
PLXNA3-related disorder. Also called: PLXNA3-related condition.

gnomAD v4.1: 17 of 1,187,111 alleles (0.0014%); highest among the groups gnomAD compares: Non-Finnish European, 0.0019%; no homozygotes.

Submission:

PreventionGenetics, part of Exact Sciences
Classification: Uncertain significance for PLXNA3-related condition. Last evaluated: 2025-07-05. Review status: criteria provided, single submitter. Criteria: ACMG Guidelines, 2015. Collection method: clinical testing. Allele origin: germline.
Comment: The PLXNA3 c.3460G>C variant is predicted to result in the amino acid substitution p.Ala1154Pro. To our knowledge, this variant has not been reported in the literature or in a large population database (gnomAD), indicating this variant is rare. At this time, the clinical significance of this variant is uncertain due to the absence of conclusive functional and genetic evidence.

NM_017514.5(PLXNA3):c.3460G>C (p.Ala1154Pro)

Gene: PLXNA3 (plexin A3; plus strand). Cytogenetic location: Xq28.
Variant type: single nucleotide variant.
Coding change: c.3460G>C on transcript NM_017514.5 (MANE Select); coding-DNA position 3460, G replaced by C.
Protein change: p.Ala1154Pro; replaces alanine 1154 with proline.
Molecular consequence: missense variant.
Genome position (GRCh38, 1-based): chrX:154,467,563, G>C. VCF-style: chrX-154467563-G-C. GRCh37 (hg19) VCF-style: chrX-153695906-G-C.
Other names: short protein forms A1154P.
Identifiers: ClinVar variation 4980096 (VCV004980096.1).
Genomic context (GRCh38, chrX:154,467,563, plus strand): 5'-GAAAGTGGAGAGTCCTGGGCTGAAGTTGTCCTCCACCCCCAGGGCAAGAACCTGATTCCC[G>C]CTGCAGCCGGCAGCTCCCGCCTCAACTACACTGTGCTGATAGGAGGCCAGCCGTGTTCGC-3'
Protein context (NP_059984.3, residues 1144-1164): VVLKGKNLIP[Ala1154Pro]AAGSSRLNYT